The following is an entry in ClinVar:

ClinVar aggregate classification (germline): Uncertain significance (1 of 4 stars; one submission).

Conditions:
Ullrich congenital muscular dystrophy 2 (UCMD2). Identifiers: Orphanet 75840, MedGen C4225314, MONDO:0014654, OMIM 616470.
Bethlem myopathy 2 (BTHLM2). Identifiers: Orphanet 536516, Orphanet 610, MedGen C4225313, MONDO:0034022, OMIM 616471.

Allele frequency attached by ClinVar (database versions not stated): gnomAD 0.00001; TOPMed 0.00001.
gnomAD v4.1: 1 of 1,614,012 alleles (0.000062%); highest among the groups gnomAD compares: African/African-American, 0.0013%; no homozygotes.

Submission:

Labcorp Genetics (formerly Invitae), Labcorp
Classification: Uncertain significance for Bethlem myopathy 2; Ullrich congenital muscular dystrophy 2. Last evaluated: 2022-10-28. Review status: criteria provided, single submitter. Criteria: Invitae Variant Classification Sherloc (09022015). Collection method: clinical testing. Allele origin: germline.
Comment: Advanced modeling of protein sequence and biophysical properties (such as structural, functional, and spatial information, amino acid conservation, physicochemical variation, residue mobility, and thermodynamic stability) performed at Invitae indicates that this missense variant is not expected to disrupt COL12A1 protein function. In summary, the available evidence is currently insufficient to determine the role of this variant in disease. Therefore, it has been classified as a Variant of Uncertain Significance. This variant has not been reported in the literature in individuals affected with COL12A1-related conditions. This variant is not present in population databases (gnomAD no frequency). This sequence change replaces glutamine, which is neutral and polar, with histidine, which is basic and polar, at codon 606 of the COL12A1 protein (p.Gln606His).

NM_004370.6(COL12A1):c.1818G>C (p.Gln606His)

Gene: COL12A1 (collagen type XII alpha 1 chain; minus strand). Cytogenetic location: 6q13.
Variant type: single nucleotide variant.
Coding change: c.1818G>C on transcript NM_004370.6 (MANE Select); coding-DNA position 1818, G replaced by C.
Protein change: p.Gln606His; replaces glutamine 606 with histidine.
Molecular consequence: missense variant. On other transcripts: intron variant (2).
Genome position (GRCh38, 1-based): chr6:75,183,123, C>G on the plus strand (G>C on the coding strand, the complement: COL12A1 is on the minus strand). VCF-style: chr6-75183123-C-G. GRCh37 (hg19) VCF-style: chr6-75892839-C-G.
Other names: c.1818G>C, p.Gln606His (NM_001424113.1, NM_001424114.1, NM_001424115.1); c.73+19597G>C (NM_001424116.1, NM_080645.3); short protein forms Q606H.
Identifiers: ClinVar variation 2930522 (VCV002930522.3), dbSNP rs1483475995, ClinGen allele CA364768551.